The following is an entry in ClinVar:

NM_000092.5(COL4A4):c.2753del (p.Gly918fs)

Gene: COL4A4 (collagen type IV alpha 4 chain; minus strand). Cytogenetic location: 2q36.3.
Variant type: Deletion.
Coding change: c.2753del on transcript NM_000092.5 (MANE Select); coding-DNA position 2753, one base deleted (G; older notation c.2753delG).
Protein change: p.Gly918fs; shifts the reading frame from glycine 918.
Molecular consequence: frameshift variant.
Genome position (GRCh38, 1-based): chr2:227,054,701, C deleted on the plus strand (G on the coding strand, the reverse complement: COL4A4 is on the minus strand); the first of 2 consecutive C bases (chr2:227,054,701-227,054,702); deleting either gives the same sequence. VCF-style (leftmost placement, unchanged base first): chr2-227054700-TC-T. GRCh37 (hg19) VCF-style: chr2-227919416-TC-T.
Other names: short protein forms G918fs.
Identifiers: ClinVar variation 1452421 (VCV001452421.6), dbSNP rs2150220718, ClinGen allele CA2573135643.

ClinVar aggregate classification (germline): Pathogenic (1 of 4 stars; one submission).

Submission:

Labcorp Genetics (formerly Invitae), Labcorp
Classification: Pathogenic. Last evaluated: 2021-09-18. Review status: criteria provided, single submitter. Criteria: Invitae Variant Classification Sherloc (09022015). Collection method: clinical testing. Allele origin: germline.
Comment: This variant has not been reported in the literature in individuals affected with COL4A4-related conditions. For these reasons, this variant has been classified as Pathogenic. This variant is not present in population databases (ExAC no frequency). This sequence change creates a premature translational stop signal (p.Gly918Glufs*32) in the COL4A4 gene. It is expected to result in an absent or disrupted protein product. Loss-of-function variants in COL4A4 are known to be pathogenic (PMID: 21196518, 24854265, 25307543).

Literature cited by the submitters: PubMed 21196518; PubMed 24854265; PubMed 25307543.